The following is an entry in ClinVar:

NM_000334.4(SCN4A):c.392C>A (p.Ala131Glu)

Gene: SCN4A (sodium voltage-gated channel alpha subunit 4; minus strand). Cytogenetic location: 17q23.3.
Variant type: single nucleotide variant.
Coding change: c.392C>A on transcript NM_000334.4 (MANE Select); coding-DNA position 392, C replaced by A.
Protein change: p.Ala131Glu; replaces alanine 131 with glutamic acid.
Molecular consequence: missense variant.
Genome position (GRCh38, 1-based): chr17:63,972,352, G>T on the plus strand (C>A on the coding strand, the complement: SCN4A is on the minus strand). VCF-style: chr17-63972352-G-T. GRCh37 (hg19) VCF-style: chr17-62049712-G-T.
Other names: short protein forms A131E.
Identifiers: ClinVar variation 2079703 (VCV002079703.5), dbSNP rs2509325059, ClinGen allele CA400639830.

ClinVar aggregate classification (germline): Uncertain significance. Review status: criteria provided, multiple submitters, no conflicts (2 of 4 stars). 2 submissions from 2 submitters: Uncertain significance (2). Last evaluated 2023-10-17.

Conditions:
Hyperkalemic periodic paralysis. Also called: Familial hyperkalemic periodic paralysis; Gamstorp disease. Identifiers: Orphanet 682, MedGen C0238357, MONDO:0008224, OMIM 170500, HP:0007215.

Submissions (2):

Athena Diagnostics
Classification: Uncertain significance. Last evaluated: 2023-10-17. Review status: criteria provided, single submitter. Criteria: Athena Diagnostics Criteria. Collection method: clinical testing. Allele origin: unknown.
Comment: Available data are insufficient to determine the clinical significance of the variant at this time. This variant has not been reported in large, multi-ethnic general populations. Computational tools disagree on the variant's effect on normal protein function.

Labcorp Genetics (formerly Invitae), Labcorp
Classification: Uncertain significance for Hyperkalemic periodic paralysis. Last evaluated: 2021-12-11. Review status: criteria provided, single submitter. Criteria: Invitae Variant Classification Sherloc (09022015). Collection method: clinical testing. Allele origin: germline.
Comment: This sequence change replaces alanine, which is neutral and non-polar, with glutamic acid, which is acidic and polar, at codon 131 of the SCN4A protein (p.Ala131Glu). This variant is not present in population databases (gnomAD no frequency). This variant has not been reported in the literature in individuals affected with SCN4A-related conditions. Algorithms developed to predict the effect of missense changes on protein structure and function are either unavailable or do not agree on the potential impact of this missense change (SIFT: "Deleterious"; PolyPhen-2: "Benign"; Align-GVGD: "Class C0"). In summary, the available evidence is currently insufficient to determine the role of this variant in disease. Therefore, it has been classified as a Variant of Uncertain Significance.